The following is an entry in ClinVar:

NM_001009999.3(KDM1A):c.2469G>A (p.Ala823=)

Gene: KDM1A (lysine demethylase 1A; plus strand). Cytogenetic location: 1p36.12.
Variant type: single nucleotide variant.
Coding change: c.2469G>A on transcript NM_001009999.3 (MANE Select); coding-DNA position 2469, G replaced by A.
Protein change: p.Ala823=; no amino-acid change (alanine 823 retained).
Molecular consequence: synonymous variant. On other transcripts: 3 prime UTR variant (1).
Genome position (GRCh38, 1-based): chr1:23,083,202, G>A. VCF-style: chr1-23083202-G-A. GRCh37 (hg19) VCF-style: chr1-23409695-G-A.
Other names: c.2415G>A, p.Ala805= (NM_001363654.2); c.2475G>A, p.Ala825= (NM_001410762.1); c.*717G>A (NM_001410763.1); c.2397G>A, p.Ala799= (NM_015013.4).
Identifiers: ClinVar variation 3723338 (VCV003723338.2).

ClinVar aggregate classification (germline): Uncertain significance (1 of 4 stars; one submission).

Submission:

Labcorp Genetics (formerly Invitae), Labcorp
Classification: Uncertain significance. Last evaluated: 2024-10-20. Review status: criteria provided, single submitter. Criteria: Invitae Variant Classification Sherloc (09022015). Collection method: clinical testing. Allele origin: germline.
Comment: This sequence change affects codon 823 of the KDM1A mRNA. It is a 'silent' change, meaning that it does not change the encoded amino acid sequence of the KDM1A protein. The frequency data for this variant in the population databases is considered unreliable, as metrics indicate poor data quality at this position in the gnomAD database. This variant has not been reported in the literature in individuals affected with KDM1A-related conditions. Algorithms developed to predict the effect of sequence changes on RNA splicing suggest that this variant may disrupt the consensus splice site. In summary, the available evidence is currently insufficient to determine the role of this variant in disease. Therefore, it has been classified as a Variant of Uncertain Significance.